The following is an entry in ClinVar:

NM_182961.4(SYNE1):c.21412G>A (p.Ala7138Thr)

Gene: SYNE1 (spectrin repeat containing nuclear envelope protein 1; minus strand). Cytogenetic location: 6q25.2.
Variant type: single nucleotide variant.
Coding change: c.21412G>A on transcript NM_182961.4 (MANE Select); coding-DNA position 21412, G replaced by A.
Protein change: p.Ala7138Thr; replaces alanine 7138 with threonine.
Molecular consequence: missense variant.
Genome position (GRCh38, 1-based): chr6:152,224,604, C>T on the plus strand (G>A on the coding strand, the complement: SYNE1 is on the minus strand). VCF-style: chr6-152224604-C-T. GRCh37 (hg19) VCF-style: chr6-152545739-C-T.
Other names: c.21199G>A, p.Ala7067Thr (NM_033071.5); short protein forms A7067T, A7138T.
Identifiers: ClinVar variation 4992967 (VCV004992967.1).

ClinVar aggregate classification (germline): Uncertain significance (1 of 4 stars; one submission).

Conditions:
SYNE1-related disorder. Also called: SYNE1-related disease; SYNE1-related condition; SYNE1-related disorders.

gnomAD v4.1: 2 of 1,613,908 alleles (0.00012%); highest among the groups gnomAD compares: African/African-American, 0.0027%; no homozygotes.

Submission:

PreventionGenetics, part of Exact Sciences
Classification: Uncertain significance for SYNE1-related condition. Last evaluated: 2026-01-02. Review status: criteria provided, single submitter. Criteria: ACMG Guidelines, 2015. Collection method: clinical testing. Allele origin: germline.
Comment: The SYNE1 c.21199G>A variant is predicted to result in the amino acid substitution p.Ala7067Thr. To our knowledge, this variant has not been reported in the literature or in a large population database (gnomAD), indicating this variant is rare. At this time, the clinical significance of this variant is uncertain due to the absence of conclusive functional and genetic evidence.